The following is an entry in ClinVar:

NM_001379200.1(TBX1):c.1459A>G (p.Met487Val)

Gene: TBX1 (T-box transcription factor 1; plus strand). Cytogenetic location: 22q11.21.
Variant type: single nucleotide variant.
Coding change: c.1459A>G on transcript NM_001379200.1 (MANE Select); coding-DNA position 1459, A replaced by G.
Protein change: p.Met487Val; replaces methionine 487 with valine.
Molecular consequence: missense variant. On other transcripts: intron variant (2).
Genome position (GRCh38, 1-based): chr22:19,766,811, A>G. VCF-style: chr22-19766811-A-G. GRCh37 (hg19) VCF-style: chr22-19754334-A-G.
Other names: c.1432A>G, p.Met478Val (NM_080647.1); c.1009+809A>G (NM_005992.1, NM_080646.2); short protein forms M478V, M487V.
Identifiers: ClinVar variation 1714141 (VCV001714141.5), dbSNP rs1936874664, ClinGen allele CA410685611.

ClinVar aggregate classification (germline): Uncertain significance (1 of 4 stars; one submission).

Conditions:
DiGeorge syndrome. Also called: Catch22; THIRD AND FOURTH PHARYNGEAL POUCH SYNDROME. Identifiers: Orphanet 567, MedGen C0012236, MONDO:0008564, OMIM 188400.

Allele frequency attached by ClinVar (database versions not stated): gnomAD exomes below 0.00001.
gnomAD v4.1: 1 of 1,546,710 alleles (0.000065%); highest among the groups gnomAD compares: Non-Finnish European, 0.000086%; no homozygotes.

Submission:

Labcorp Genetics (formerly Invitae), Labcorp
Classification: Uncertain significance for DiGeorge syndrome. Last evaluated: 2022-07-29. Review status: criteria provided, single submitter. Criteria: Invitae Variant Classification Sherloc (09022015). Collection method: clinical testing. Allele origin: germline.
Comment: This sequence change replaces methionine, which is neutral and non-polar, with valine, which is neutral and non-polar, at codon 478 of the TBX1 protein (p.Met478Val). This variant is not present in population databases (gnomAD no frequency). This variant has not been reported in the literature in individuals affected with TBX1-related conditions. Algorithms developed to predict the effect of missense changes on protein structure and function output the following: SIFT: "Tolerated"; PolyPhen-2: "Benign"; Align-GVGD: "Class C0". The valine amino acid residue is found in multiple mammalian species, which suggests that this missense change does not adversely affect protein function. In summary, the available evidence is currently insufficient to determine the role of this variant in disease. Therefore, it has been classified as a Variant of Uncertain Significance.